The following is an entry in ClinVar:

ClinVar aggregate classification (germline): Pathogenic (1 of 4 stars; one submission).

Conditions:
Cerebral amyloid angiopathy, APP-related. Also called: AMYLOIDOSIS, CEREBROARTERIAL, APP-RELATED; Cerebral amyloid angiopathy, Dutch, Italian, Iowa, Flemish, Arctic variants. Identifiers: Orphanet 100006, Orphanet 324703, Orphanet 324708, Orphanet 324713, Orphanet 324718, Orphanet 324723, Orphanet 85458, MedGen C2751536, MONDO:0011583, OMIM 605714.

Submission:

Women's Health and Genetics/Laboratory Corporation of America, LabCorp
Classification: Pathogenic for Cerebral amyloid angiopathy, APP-related. Last evaluated: 2024-07-12. Review status: criteria provided, single submitter. Criteria: LabCorp Variant Classification Summary - May 2015. Collection method: clinical testing. Allele origin: germline.
Comment: Variant summary: The variant involves the duplication of exons 1-18 in the APP gene. A presumed nomenclature of c.(?_-151)_(*1121_?)dup has been designated for the purposes of this classification. This duplication includes the entire coding sequence of the gene. As exact breakpoints are unknown, it may extend beyond the annotated region of the gene, to include other flanking genes. A large duplication (Size: 32.5 Mbp), which covers the APP gene and also includes several other genes was found at a frequency of 3.7e-05 in 462882 control chromosomes in the gnomAD database (CNVs v4.1 dataset). Duplications of the genomic region encompassing the full coding sequence of the APP gene have been reported in several individuals affected with autosomal dominant early-onset cerebral amyloid angiopathy (CAA) and Alzheimer disease (AD) (e.g. Sleegers_2006, McNaughton_2012, Grangeon_2023), and in a few cases the copy number gains were confined to the APP gene, suggesting that increased APP dosage was sufficient to cause early-onset AD (e.g. Sleegers_2006, Grangeon_2021). Publications also reported increased APP gene expression in patient derived blood samples (i.e. increased mRNA levels), suggesting that the gene regulatory regions are preserved within the affected DNA segment (e.g. Grangeon_2021). The following publications have been ascertained in the context of this evaluation (PMID: 16921174, 21193246, 37170141, 34532568). ClinVar contains an entry for this variant (Variation ID: 2423147). Based on the evidence outlined above, the variant was classified as pathogenic.

Literature cited by the submitters: PubMed 34532568; PubMed 37170141; PubMed 21193246; PubMed 16921174.

NC_000021.8:g.(?_27252860)_(27543089_?)dup

Gene: APP (amyloid beta precursor protein; minus strand). Cytogenetic location: 21q21.3.
Variant type: Duplication.
Identifiers: ClinVar variation 3338917 (VCV003338917.1).